The following is an entry in ClinVar:

ClinVar aggregate classification (germline): Conflicting classifications of pathogenicity. Review status: criteria provided, conflicting classifications (1 of 4 stars). 2 submissions from 2 submitters: Uncertain significance (1); Likely benign (1). Last evaluated 2024-03-21.

Conditions:
Hereditary cancer-predisposing syndrome. Also called: Hereditary neoplastic syndrome; Tumor predisposition; Neoplastic Syndromes, Hereditary; Hereditary Cancer Syndrome. Identifiers: Orphanet 140162, MedGen C0027672, MeSH D009386, MONDO:0015356.
Familial cancer of breast. Also called: Hereditary breast cancer; BREAST CANCER, FAMILIAL; hereditary breast carcinoma. Identifiers: Orphanet 227535, MedGen C0346153, MONDO:0016419, OMIM 114480. Disease mechanism: loss of function.
Fanconi anemia complementation group J. Also called: BRIP1-Related Fanconi Anemia. Identifiers: Orphanet 84, MedGen C1836860, MONDO:0012187, OMIM 609054.

Submissions (2):

Ambry Genetics
Classification: Likely benign for Hereditary cancer-predisposing syndrome. Last evaluated: 2024-03-21. Review status: criteria provided, single submitter. Criteria: Ambry Variant Classification Scheme 2023. Collection method: clinical testing. Allele origin: germline.

Labcorp Genetics (formerly Invitae), Labcorp
Classification: Uncertain significance for Familial cancer of breast; Fanconi anemia complementation group J. Last evaluated: 2020-09-20. Review status: criteria provided, single submitter. Criteria: Invitae Variant Classification Sherloc (09022015). Collection method: clinical testing. Allele origin: germline.
Comment: In summary, the available evidence is currently insufficient to determine the role of this variant in disease. Therefore, it has been classified as a Variant of Uncertain Significance. Algorithms developed to predict the effect of missense changes on protein structure and function (SIFT, PolyPhen-2, Align-GVGD) all suggest that this variant is likely to be tolerated, but these predictions have not been confirmed by published functional studies and their clinical significance is uncertain. This variant has not been reported in the literature in individuals with BRIP1-related conditions. This variant is not present in population databases (ExAC no frequency). This sequence change replaces lysine with asparagine at codon 131 of the BRIP1 protein (p.Lys131Asn). The lysine residue is moderately conserved and there is a moderate physicochemical difference between lysine and asparagine.

NM_032043.3(BRIP1):c.393A>C (p.Lys131Asn)

Gene: BRIP1 (BRCA1 interacting DNA helicase 1; minus strand). Cytogenetic location: 17q23.2.
Variant type: single nucleotide variant.
Coding change: c.393A>C on transcript NM_032043.3 (MANE Select); coding-DNA position 393, A replaced by C.
Protein change: p.Lys131Asn; replaces lysine 131 with asparagine.
Molecular consequence: missense variant.
Genome position (GRCh38, 1-based): chr17:61,849,243, T>G on the plus strand (A>C on the coding strand, the complement: BRIP1 is on the minus strand). VCF-style: chr17-61849243-T-G. GRCh37 (hg19) VCF-style: chr17-59926604-T-G.
Other names: short protein forms K131N.
Identifiers: ClinVar variation 958393 (VCV000958393.13), dbSNP rs2078781577, ClinGen allele CA400484589.
Genomic context (GRCh38, chr17:61,849,243, plus strand): 5'-ATTTTCATCTCTGTATATGGATGCCTGTTTCTTAGCAGATAACTTTGCAGCCAGAGTGGT[T>G]TTTTCAGGGGAGTCTTATATAAGTAATTTAAAAAAAACAGCATAAATAACTTACAGGTAG-3'
Protein context (NP_114432.2, residues 121-141): TSSTCQDSPE[Lys131Asn]TTLAAKLSAK